The following is an entry in ClinVar:

ClinVar aggregate classification (germline): Uncertain significance (1 of 4 stars; one submission).

Allele frequency attached by ClinVar (database versions not stated): gnomAD 0.00001; TOPMed 0.00002; ExAC 0.00001; gnomAD exomes 0.00001.
gnomAD v4.1: 12 of 1,614,052 alleles (0.00074%); highest among the groups gnomAD compares: Non-Finnish European, 0.001%; no homozygotes.

Submission:

Labcorp Genetics (formerly Invitae), Labcorp
Classification: Uncertain significance. Last evaluated: 2025-02-17. Review status: criteria provided, single submitter. Criteria: Invitae Variant Classification Sherloc (09022015). Collection method: clinical testing. Allele origin: germline.
Comment: This sequence change replaces alanine, which is neutral and non-polar, with valine, which is neutral and non-polar, at codon 998 of the TTBK2 protein (p.Ala998Val). This variant is present in population databases (rs745988269, gnomAD 0.002%). This variant has not been reported in the literature in individuals affected with TTBK2-related conditions. ClinVar contains an entry for this variant (Variation ID: 2976387). An algorithm developed to predict the effect of missense changes on protein structure and function (PolyPhen-2) suggests that this variant is likely to be disruptive. In summary, the available evidence is currently insufficient to determine the role of this variant in disease. Therefore, it has been classified as a Variant of Uncertain Significance.

NM_173500.4(TTBK2):c.2993C>T (p.Ala998Val)

Gene: TTBK2 (tau tubulin kinase 2; minus strand). Cytogenetic location: 15q15.2.
Variant type: single nucleotide variant.
Coding change: c.2993C>T on transcript NM_173500.4 (MANE Select); coding-DNA position 2993, C replaced by T.
Protein change: p.Ala998Val; replaces alanine 998 with valine.
Molecular consequence: missense variant.
Genome position (GRCh38, 1-based): chr15:42,752,253, G>A on the plus strand (C>T on the coding strand, the complement: TTBK2 is on the minus strand). VCF-style: chr15-42752253-G-A. GRCh37 (hg19) VCF-style: chr15-43044451-G-A.
Other names: short protein forms A998V.
Identifiers: ClinVar variation 2976387 (VCV002976387.3), dbSNP rs745988269, ClinGen allele CA7516656.
Genomic context (GRCh38, chr15:42,752,253, plus strand): 5'-TCCTCCTCACAAAAGGGAGCAGGAACAGTAGCTAGTTTCTCCTCTAGCAATTTATCAGAG[G>A]CACTTGAGAGGTCGCCAAGGAAGGACTTGAATTGTCTTTTTTCCACCAGAAGCTTGACTA-3'
Protein context (NP_775771.3, residues 988-1008): FKSFLGDLSS[Ala998Val]SDKLLEEKLA